The following is an entry in ClinVar:

ClinVar aggregate classification (germline): Uncertain significance (1 of 4 stars; one submission).

Submission:

Labcorp Genetics (formerly Invitae), Labcorp
Classification: Uncertain significance. Last evaluated: 2025-02-24. Review status: criteria provided, single submitter. Criteria: Invitae Variant Classification Sherloc (09022015). Collection method: clinical testing. Allele origin: germline.
Comment: This sequence change replaces glutamic acid, which is acidic and polar, with valine, which is neutral and non-polar, at codon 2833 of the PCLO protein (p.Glu2833Val). This variant is not present in population databases (gnomAD no frequency). This variant has not been reported in the literature in individuals affected with PCLO-related conditions. ClinVar contains an entry for this variant (Variation ID: 1463438). Experimental studies and prediction algorithms are not available or were not evaluated, and the functional significance of this variant is currently unknown. In summary, the available evidence is currently insufficient to determine the role of this variant in disease. Therefore, it has been classified as a Variant of Uncertain Significance.

NM_033026.6(PCLO):c.8498A>T (p.Glu2833Val)

Gene: PCLO (piccolo presynaptic cytomatrix protein; minus strand). Cytogenetic location: 7q21.11.
Variant type: single nucleotide variant.
Coding change: c.8498A>T on transcript NM_033026.6 (MANE Select); coding-DNA position 8498, A replaced by T.
Protein change: p.Glu2833Val; replaces glutamic acid 2833 with valine.
Molecular consequence: missense variant.
Genome position (GRCh38, 1-based): chr7:82,952,455, T>A on the plus strand (A>T on the coding strand, the complement: PCLO is on the minus strand). VCF-style: chr7-82952455-T-A. GRCh37 (hg19) VCF-style: chr7-82581771-T-A.
Other names: c.8498A>T, p.Glu2833Val (NM_014510.3); short protein forms E2833V.
Identifiers: ClinVar variation 1463438 (VCV001463438.6), dbSNP rs2116433669, ClinGen allele CA367911022.